The following is an entry in ClinVar:

NM_003072.5(SMARCA4):c.2044C>G (p.Leu682Val)

Gene: SMARCA4 (SWI/SNF related BAF chromatin remodeling complex subunit ATPase 4; plus strand). Cytogenetic location: 19p13.2.
Variant type: single nucleotide variant.
Coding change: c.2044C>G on transcript NM_003072.5 (MANE Select); coding-DNA position 2044, C replaced by G.
Protein change: p.Leu682Val; replaces leucine 682 with valine.
Molecular consequence: missense variant. On other transcripts: non-coding transcript variant (1).
Genome position (GRCh38, 1-based): chr19:11,007,944, C>G. VCF-style: chr19-11007944-C-G. GRCh37 (hg19) VCF-style: chr19-11118620-C-G.
Other names: c.2044C>G, p.Leu682Val (NM_001128844.3, NM_001128845.2, NM_001128846.2 and 5 more transcripts); short protein forms L682V.
Identifiers: ClinVar variation 484851 (VCV000484851.20), dbSNP rs773252889, ClinGen allele CA9203994.
Genomic context (GRCh38, chr19:11,007,944, plus strand): 5'-GGGCTTGTCTCTTGGTAGGAGGAGGAGGAAGAGCAGCCGCAGGCAGCACAGCCTCCCACC[C>G]TGCCCGTGGAGGAGAAGAAGAAGATTCCAGATCCAGACAGCGATGACGTCTCTGAGGTGG-3'
Protein context (NP_003063.2, residues 672-692): EQPQAAQPPT[Leu682Val]PVEEKKKIPD

ClinVar aggregate classification (germline): Conflicting classifications of pathogenicity. Review status: criteria provided, conflicting classifications (1 of 4 stars). 7 submissions from 7 submitters: Uncertain significance (6); Likely benign (1). Last evaluated 2026-01-10.

Conditions:
Intellectual disability, autosomal dominant 16 (CSS4). Also called: COFFIN-SIRIS SYNDROME 4. Identifiers: Orphanet 1465, MedGen C3553249, MONDO:0013821, OMIM 614609.
Hereditary cancer-predisposing syndrome. Also called: Neoplastic Syndromes, Hereditary; Tumor predisposition; Hereditary Cancer Syndrome; Hereditary neoplastic syndrome. Identifiers: Orphanet 140162, MedGen C0027672, MeSH D009386, MONDO:0015356.
Rhabdoid tumor predisposition syndrome 2 (RTPS2). Identifiers: Orphanet 231108, Orphanet 69077, MedGen C2750074, MONDO:0013224, OMIM 613325.

Allele frequency attached by ClinVar (database versions not stated): gnomAD exomes 0.00001 and 0.00002; ExAC 0.00002; gnomAD 0.00002; TOPMed 0.00003.
gnomAD v4.1: 23 of 1,613,648 alleles (0.0014%); highest among the groups gnomAD compares: African/African-American, 0.0053%; no homozygotes.

Submissions (7):

Labcorp Genetics (formerly Invitae), Labcorp
Classification: Uncertain significance for Rhabdoid tumor predisposition syndrome 2. Last evaluated: 2026-01-10. Review status: criteria provided, single submitter. Criteria: Invitae Variant Classification Sherloc (09022015). Collection method: clinical testing. Allele origin: germline.
Comment: This sequence change replaces leucine, which is neutral and non-polar, with valine, which is neutral and non-polar, at codon 682 of the SMARCA4 protein (p.Leu682Val). This variant is present in population databases (rs773252889, gnomAD 0.01%). This variant has not been reported in the literature in individuals affected with SMARCA4-related conditions. ClinVar contains an entry for this variant (Variation ID: 484851). An algorithm developed to predict the effect of missense changes on protein structure and function (PolyPhen-2) suggests that this variant is likely to be tolerated. In summary, the available evidence is currently insufficient to determine the role of this variant in disease. Therefore, it has been classified as a Variant of Uncertain Significance.

Ambry Genetics
Classification: Likely benign for Hereditary cancer-predisposing syndrome. Last evaluated: 2024-03-23. Review status: criteria provided, single submitter. Criteria: Ambry Variant Classification Scheme 2023. Collection method: clinical testing. Allele origin: germline.

Baylor Genetics
Classification: Uncertain significance for Rhabdoid tumor predisposition syndrome 2. Last evaluated: 2024-01-09. Review status: criteria provided, single submitter. Criteria: ACMG Guidelines, 2015. Collection method: clinical testing. Allele origin: unknown.

Quest Diagnostics Nichols Institute San Juan Capistrano
Classification: Uncertain significance. Last evaluated: 2023-06-30. Review status: criteria provided, single submitter. Criteria: Quest Diagnostics criteria. Collection method: clinical testing. Allele origin: unknown.
Comment: This variant has not been reported in the published literature. The frequency of this variant in the general population, 0.000016 (4/251226 chromosomes (Genome Aggregation Database)), is uninformative in the assessment of its pathogenicity. Analysis of this variant using bioinformatics tools for the prediction of the effect of amino acid changes on protein structure and function yielded predictions that this variant is benign. Based on the available information, we are unable to determine the clinical significance of this variant.

GeneDx
Classification: Uncertain significance. Last evaluated: 2023-03-30. Review status: criteria provided, single submitter. Criteria: GeneDx Variant Classification Process June 2021. Collection method: clinical testing. Allele origin: germline. Affected: yes.
Comment: In silico analysis supports that this missense variant does not alter protein structure/function; Has not been previously published as pathogenic or benign to our knowledge

Genome-Nilou Lab
Classification: Uncertain significance for Intellectual disability, autosomal dominant 16. Last evaluated: 2021-07-15. Review status: criteria provided, single submitter. Criteria: ACMG Guidelines, 2015. Collection method: clinical testing. Allele origin: germline. Affected: no.

Sema4
Classification: Uncertain significance for Hereditary cancer-predisposing syndrome. Last evaluated: 2021-06-25. Review status: criteria provided, single submitter. Criteria: Sema4 Curation Guidelines. Collection method: curation. Allele origin: germline.
Comment: The SMARCA4 c.2044C>G (p.L682V) variant has not been reported in the literature to our knowledge. It was observed in 2/16246 chromosomes of the African/African American subpopulation in the large and broad cohorts of the Genome Aggregation Database (PMID: 32461654). The variant has been reported in ClinVar (Variation ID 484851). In silico tools suggest the impact of the variant on protein function is inconclusive, though these predictions have not been confirmed by functional studies. The evidence is insufficient to meet ACMG/AMP criteria for classifying the variant as benign or pathogenic. Thus, the clinical significance of this variant is currently uncertain.